The following is an entry in ClinVar:

ClinVar aggregate classification (germline): Pathogenic (1 of 4 stars; one submission).

Conditions:
Duchenne muscular dystrophy (DMD). Also called: MUSCULAR DYSTROPHY, PSEUDOHYPERTROPHIC PROGRESSIVE, DUCHENNE TYPE; Duchenne Muscular Dystrophy (DMD). Identifiers: Orphanet 98896, MedGen C0013264, MONDO:0010679, OMIM 310200.

Submission:

Labcorp Genetics (formerly Invitae), Labcorp
Classification: Pathogenic for Duchenne muscular dystrophy. Last evaluated: 2020-07-14. Review status: criteria provided, single submitter. Criteria: Invitae Variant Classification Sherloc (09022015). Collection method: clinical testing. Allele origin: germline.
Comment: This variant is an in-frame deletion of the genomic region encompassing exons 35-44 of the DMD gene. It preserves the integrity of the reading frame. Similar deletions of exons 35-44¬†have been reported in¬†individuals affected with¬†Duchenne muscular dystrophy (DMD) or Becker muscular dystrophy (BMD)¬†(PMID:¬†8429320, 19367636, 2063877, 20036901). For these reasons, this variant has been classified as Pathogenic.

NC_000023.10:g.(?_32235023)_(32383326_?)del

Gene: DMD (dystrophin; minus strand). Cytogenetic location: Xp21.1.
Variant type: Deletion.
Identifiers: ClinVar variation 1075734 (VCV001075734.8).